The following is an entry in ClinVar:

ClinVar aggregate classification (germline): Likely benign. Review status: criteria provided, multiple submitters, no conflicts (2 of 4 stars). 4 submissions from 4 submitters: Likely benign (3). 1 of the submissions does not count toward it. Last evaluated 2024-10-22.

Conditions:
HNF1B-related disorder. Also called: HNF1B-related disorders; HNF1B-related condition.
Maturity-onset diabetes of the young (MODY). Also called: Maturity onset diabetes mellitus in young. Identifiers: Orphanet 552, MedGen C0342276, MONDO:0018911, HP:0004904.

Allele frequency attached by ClinVar (database versions not stated): gnomAD exomes below 0.00001 and 0.00001; gnomAD 0.00001; TOPMed 0.00001.
gnomAD v4.1: 4 of 1,614,076 alleles (0.00025%); highest among the groups gnomAD compares: Admixed American, 0.0067%; no homozygotes.

Submissions (4):

Labcorp Genetics (formerly Invitae), Labcorp
Classification: Likely benign. Last evaluated: 2024-10-22. Review status: criteria provided, single submitter. Criteria: Invitae Variant Classification Sherloc (09022015). Collection method: clinical testing. Allele origin: germline.

GeneDx
Classification: Likely benign. Last evaluated: 2018-05-29. Review status: criteria provided, single submitter. Criteria: GeneDx Variant Classification (06012015). Collection method: clinical testing. Allele origin: germline. Affected: yes.
Comment: This variant is considered likely benign or benign based on one or more of the following criteria: it is a conservative change, it occurs at a poorly conserved position in the protein, it is predicted to be benign by multiple in silico algorithms, and/or has population frequency not consistent with disease.

Clinical Genomics, Uppaluri K&H Personalized Medicine Clinic
Classification: Likely benign for Maturity-onset diabetes of the young. Review status: criteria provided, single submitter. Criteria: K & H Uppaluri Personalized Medicine Clinic Variant Classification & Assertion Criteria_Updated V.1. Collection method: research. Allele origin: unknown. Inheritance: Autosomal dominant inheritance.
Comment: HNF1B gene mutations are associated with early onset diabetes and pancreatic atrophy. It is also associated with multiple renal manifestations including renal cysts, Tubulointerstitial disease, glomerulocystic disease, renal hypoplasia, hypomagnesemia. However no sufficient evidence is found to ascertain the role of this particular variant rs1365215108, yet.

PreventionGenetics, part of Exact Sciences
Classification: Likely benign for HNF1B-related condition. Last evaluated: 2021-10-14. Review status: no assertion criteria provided. Collection method: clinical testing. Allele origin: germline. Not counted in ClinVar's aggregate classification.
Comment: This variant is classified as likely benign based on ACMG/AMP sequence variant interpretation guidelines (Richards et al. 2015 PMID: 25741868, with internal and published modifications).

Literature cited by the submitters: PubMed 24897035 (cited by Clinical Genomics, Uppaluri K&H Personalized Medicine Clinic); PubMed 25536396 (cited by Clinical Genomics, Uppaluri K&H Personalized Medicine Clinic); PubMed 27615128 (cited by Clinical Genomics, Uppaluri K&H Personalized Medicine Clinic); PubMed 28215227 (cited by Clinical Genomics, Uppaluri K&H Personalized Medicine Clinic); PubMed 33434175 (cited by Clinical Genomics, Uppaluri K&H Personalized Medicine Clinic); PubMed 25741167 (cited by Clinical Genomics, Uppaluri K&H Personalized Medicine Clinic); PubMed 26340261 (cited by Clinical Genomics, Uppaluri K&H Personalized Medicine Clinic); PubMed 19639018 (cited by Clinical Genomics, Uppaluri K&H Personalized Medicine Clinic).

NM_000458.4(HNF1B):c.699C>T (p.Arg233=)

Genes: HNF1B (HNF1 homeobox B; minus strand), LOC126862549 (BRD4-independent group 4 enhancer GRCh37_chr17:36093401-36094600; plus strand). Cytogenetic location: 17q12.
Variant type: single nucleotide variant.
Coding change: c.699C>T on transcript NM_000458.4 (MANE Select); coding-DNA position 699, C replaced by T.
Protein change: p.Arg233=; no amino-acid change (arginine 233 retained).
Molecular consequence: synonymous variant.
Genome position (GRCh38, 1-based): chr17:37,733,667, G>A on the plus strand (C>T on the coding strand, the complement: HNF1B is on the minus strand). VCF-style: chr17-37733667-G-A. GRCh37 (hg19) VCF-style: chr17-36093660-G-A.
Other names: c.621C>T, p.Arg207= (NM_001165923.4, NM_001304286.2); c.699C>T (NM_000458.3).
Identifiers: ClinVar variation 668656 (VCV000668656.12), dbSNP rs1365215108, ClinGen allele CA499602794.